The following is an entry in ClinVar:

ClinVar aggregate classification (germline): Conflicting classifications of pathogenicity. Review status: criteria provided, conflicting classifications (1 of 4 stars). 4 submissions from 4 submitters: Uncertain significance (1); Likely benign (3). Last evaluated 2026-01-26.

Conditions:
Hermansky-Pudlak syndrome 5 (HPS5). Identifiers: Orphanet 231512, Orphanet 79430, MedGen C3888004, MONDO:0013557, OMIM 614074.
HPS5-related disorder. Also called: HPS5-related condition.

Allele frequency attached by ClinVar (database versions not stated): gnomAD exomes 0.00014 and 0.00036; ExAC 0.00016; TOPMed 0.00020; gnomAD 0.00026 and 0.00028; ESP Exome Variant Server 0.00039.

Submissions (4):

Labcorp Genetics (formerly Invitae), Labcorp
Classification: Likely benign. Last evaluated: 2026-01-26. Review status: criteria provided, single submitter. Criteria: Invitae Variant Classification Sherloc (09022015). Collection method: clinical testing. Allele origin: germline.

PreventionGenetics, part of Exact Sciences
Classification: Likely benign for HPS5-related condition. Last evaluated: 2025-08-16. Review status: criteria provided, single submitter. Criteria: ACMG Guidelines, 2015. Collection method: clinical testing. Allele origin: germline.
Comment: This variant is classified as likely benign based on ACMG/AMP sequence variant interpretation guidelines (Richards et al. 2015 PMID: 25741868, with internal and published modifications).

Blueprint Genetics
Classification: Likely benign. Last evaluated: 2024-11-01. Review status: criteria provided, single submitter. Criteria: ACMG Guidelines, 2015. Collection method: clinical testing. Allele origin: germline.

Illumina Laboratory Services, Illumina
Classification: Uncertain significance for Hermansky-Pudlak syndrome 5. Last evaluated: 2018-01-12. Review status: criteria provided, single submitter. Criteria: ICSL Variant Classification Criteria 13 December 2019. Collection method: clinical testing. Allele origin: germline.

NM_181507.2(HPS5):c.1692T>C (p.Pro564=)

Gene: HPS5 (HPS5 biogenesis of lysosomal organelles complex 2 subunit 2; minus strand). Cytogenetic location: 11p15.1.
Variant type: single nucleotide variant.
Coding change: c.1692T>C on transcript NM_181507.2 (MANE Select); coding-DNA position 1692, T replaced by C.
Protein change: p.Pro564=; no amino-acid change (proline 564 retained).
Molecular consequence: synonymous variant.
Genome position (GRCh38, 1-based): chr11:18,295,112, A>G on the plus strand (T>C on the coding strand, the complement: HPS5 is on the minus strand). VCF-style: chr11-18295112-A-G. GRCh37 (hg19) VCF-style: chr11-18316659-A-G.
Other names: c.1350T>C, p.Pro450= (NM_007216.4, NM_181508.2).
Identifiers: ClinVar variation 879743 (VCV000879743.14), dbSNP rs150590027, ClinGen allele CA5910035.